The following is an entry in ClinVar:

ClinVar aggregate classification (germline): Benign. Review status: criteria provided, multiple submitters, no conflicts (2 of 4 stars). 3 submissions from 3 submitters: Benign (3). Last evaluated 2021-07-14.

Conditions:
Pontocerebellar hypoplasia type 2E. Identifiers: Orphanet 247198, MedGen C4014488, MONDO:0014370, OMIM 615851.

Allele frequency attached by ClinVar (database versions not stated): gnomAD 0.40515 and 0.41193; TOPMed 0.41172; gnomAD exomes 0.43094; 1000 Genomes Project 30x 0.43754; 1000 Genomes Project 0.44010.
gnomAD v4.1: 648,467 of 1,510,090 alleles (43%); highest among the groups gnomAD compares: South Asian, 56%; 141,225 homozygotes.

Submissions (3):

Genome-Nilou Lab
Classification: Benign for Pontocerebellar hypoplasia type 2E. Last evaluated: 2021-07-14. Review status: criteria provided, single submitter. Criteria: ACMG Guidelines, 2015. Collection method: clinical testing. Allele origin: germline. Affected: no.

GeneDx
Classification: Benign. Last evaluated: 2018-06-19. Review status: criteria provided, single submitter. Criteria: GeneDx Variant Classification (06012015). Collection method: clinical testing. Allele origin: germline. Affected: yes.
Comment: This variant is considered likely benign or benign based on one or more of the following criteria: it is a conservative change, it occurs at a poorly conserved position in the protein, it is predicted to be benign by multiple in silico algorithms, and/or has population frequency not consistent with disease.

Breakthrough Genomics
Classification: Benign. Review status: criteria provided, single submitter. Criteria: ACMG Guidelines, 2015. Collection method: not provided. Allele origin: germline. Inheritance: Autosomal recessive inheritance. Affected: yes.

NM_001128159.3(VPS53):c.1867-81C>T

Gene: VPS53 (VPS53 subunit of GARP complex; minus strand). Cytogenetic location: 17p13.3.
Variant type: single nucleotide variant.
Coding change: c.1867-81C>T on transcript NM_001128159.3 (MANE Select); 81 bases into the intron before coding-DNA position 1867, C replaced by T.
Molecular consequence: intron variant.
Genome position (GRCh38, 1-based): chr17:537,257, G>A on the plus strand (C>T on the coding strand, the complement: VPS53 is on the minus strand). VCF-style: chr17-537257-G-A. GRCh37 (hg19) VCF-style: chr17-440497-G-A.
Other names: c.1780-81C>T (NM_018289.4); c.1867-81C>T (NM_001366253.2); c.1273-81C>T (NM_001366254.2).
Identifiers: ClinVar variation 670269 (VCV000670269.5), dbSNP rs7219151, ClinGen allele CA14392099.